The following is an entry in ClinVar:

NM_001267550.2(TTN):c.87899C>A (p.Thr29300Lys)

Genes: TTN (titin; minus strand), TTN-AS1 (TTN antisense RNA 1; plus strand). Cytogenetic location: 2q31.2.
Variant type: single nucleotide variant.
Coding change: c.87899C>A on transcript NM_001267550.2 (MANE Select); coding-DNA position 87899, C replaced by A.
Protein change: p.Thr29300Lys; replaces threonine 29300 with lysine.
Molecular consequence: missense variant.
Genome position (GRCh38, 1-based): chr2:178,557,363, G>T on the plus strand (C>A on the coding strand, the complement: TTN is on the minus strand). VCF-style: chr2-178557363-G-T. GRCh37 (hg19) VCF-style: chr2-179422090-G-T.
Other names: c.82976C>A, p.Thr27659Lys (NM_001256850.1); c.60704C>A, p.Thr20235Lys (NM_003319.4); c.80195C>A, p.Thr26732Lys (NM_133378.4); c.61079C>A, p.Thr20360Lys (NM_133432.3); c.61280C>A, p.Thr20427Lys (NM_133437.4); short protein forms T20235K, T20360K, T20427K, T26732K, T27659K, T29300K.
Identifiers: ClinVar variation 4080666 (VCV004080666.4), dbSNP rs1428308872.

ClinVar aggregate classification (germline): Conflicting classifications of pathogenicity. Review status: criteria provided, conflicting classifications (1 of 4 stars). 4 submissions from 4 submitters: Uncertain significance (2); Likely benign (2). Last evaluated 2026-03-27.

Submissions (4):

Molecular Diagnostic Laboratory for Inherited Cardiovascular Disease, Montreal Heart Institute
Classification: Likely benign. Last evaluated: 2026-03-27. Review status: criteria provided, single submitter. Criteria: ACMG Guidelines, 2015. Collection method: clinical testing. Allele origin: germline. Affected: no.
Comment: BP1

GeneDx
Classification: Uncertain significance. Last evaluated: 2026-02-12. Review status: criteria provided, single submitter. Criteria: GeneDx Variant Classification Process June 2021. Collection method: clinical testing. Allele origin: germline.
Comment: Not observed at significant frequency in large population cohorts (gnomAD); Missense variant in a gene in which most reported pathogenic variants are truncating/loss of function; Has not been previously published as pathogenic or benign to our knowledge

Revvity Omics, Revvity
Classification: Uncertain significance. Last evaluated: 2024-09-23. Review status: criteria provided, single submitter. Criteria: ACMG Guidelines, 2015. Collection method: clinical testing. Allele origin: germline.

Blueprint Genetics
Classification: Likely benign. Last evaluated: 2023-03-29. Review status: criteria provided, single submitter. Criteria: ACMG Guidelines, 2015. Collection method: clinical testing. Allele origin: germline.